The following is an entry in ClinVar:

ClinVar aggregate classification (germline): Likely benign. Review status: criteria provided, multiple submitters, no conflicts (2 of 4 stars). 2 submissions from 2 submitters: Likely benign (2). Last evaluated 2021-05-10.

Conditions:
ALG11-congenital disorder of glycosylation. Also called: CONGENITAL DISORDER OF GLYCOSYLATION, TYPE Ip; ALG11-CDG. Identifiers: Orphanet 280071, MedGen C3150913, MONDO:0013349, OMIM 613661.

Allele frequency attached by ClinVar (database versions not stated): gnomAD exomes 0.00052 and 0.00130; ExAC 0.00158; 1000 Genomes Project 0.00260; 1000 Genomes Project 30x 0.00312; gnomAD 0.00377 and 0.00414; ESP Exome Variant Server 0.00431; TOPMed 0.00436.

Submissions (2):

GeneDx
Classification: Likely benign. Last evaluated: 2021-05-10. Review status: criteria provided, single submitter. Criteria: GeneDx Variant Classification Process June 2021. Collection method: clinical testing. Allele origin: germline. Affected: yes.

Illumina Laboratory Services, Illumina
Classification: Likely benign for ALG11-congenital disorder of glycosylation. Last evaluated: 2018-01-12. Review status: criteria provided, single submitter. Criteria: ICSL Variant Classification Criteria 13 December 2019. Collection method: clinical testing. Allele origin: germline.
Comment: This variant was observed in the ICSL laboratory as part of a predisposition screen in an ostensibly healthy population. It had not been previously curated by ICSL or reported in the Human Gene Mutation Database (HGMD: prior to June 1st, 2018), and was therefore a candidate for classification through an automated scoring system. Utilizing variant allele frequency, disease prevalence and penetrance estimates, and inheritance mode, an automated score was calculated to assess if this variant is too frequent to cause the disease. Based on the score and internal cut-off values, a variant classified as likely benign is not then subjected to further curation. The score for this variant resulted in a classification of likely benign for this disease.

NM_001004127.3(ALG11):c.*173G>A

Genes: ALG11 (ALG11 alpha-1,2-mannosyltransferase; plus strand), UTP14C (UTP14C small subunit processome component; plus strand). Cytogenetic location: 13q14.3.
Variant type: single nucleotide variant.
Coding change: c.*173G>A on transcript NM_001004127.3 (MANE Select); 173 bases downstream of the stop codon, G replaced by A.
Molecular consequence: 3 prime UTR variant. On other transcripts: non-coding transcript variant (1), 5 prime UTR variant (1).
Genome position (GRCh38, 1-based): chr13:52,028,763, G>A. VCF-style: chr13-52028763-G-A. GRCh37 (hg19) VCF-style: chr13-52602899-G-A.
Other names: c.-42G>A (NM_021645.6).
Identifiers: ClinVar variation 883176 (VCV000883176.5), dbSNP rs140978619, ClinGen allele CA6990110.
Genomic context (GRCh38, chr13:52,028,763, plus strand): 5'-GACAAAATTTCCTTTTAGAATAAAAGGAAGTGTTGAAAAGAAAATGGATGACTAGCCTTC[G>A]GCTTCCATTCTTGGTATACATGAGAGAGGCTGGCTGCTGAGATGAATGTGAACCAGGTTG-3'